The following is an entry in ClinVar:

NM_000719.7(CACNA1C):c.5413C>G (p.Gln1805Glu)

Genes: CACNA1C (calcium voltage-gated channel subunit alpha1 C; plus strand), CACNA1C-AS1 (CACNA1C antisense RNA 1; minus strand). Cytogenetic location: 12p13.33.
Variant type: single nucleotide variant.
Coding change: c.5413C>G on transcript NM_000719.7 (MANE Select); coding-DNA position 5413, C replaced by G.
Protein change: p.Gln1805Glu; replaces glutamine 1805 with glutamic acid.
Molecular consequence: missense variant.
Genome position (GRCh38, 1-based): chr12:2,679,765, C>G. VCF-style: chr12-2679765-C-G. GRCh37 (hg19) VCF-style: chr12-2788931-C-G.
Other names: c.5557C>G, p.Gln1853Glu (NM_001129827.2, NM_199460.4); c.5536C>G, p.Gln1846Glu (NM_001129829.2); c.5413C>G, p.Gln1805Glu (NM_001129830.3, NM_001129840.2, NM_001129841.2 and 4 more transcripts); c.5497C>G, p.Gln1833Glu (NM_001129831.2); c.5473C>G, p.Gln1825Glu (NM_001129832.2); c.5470C>G, p.Gln1824Glu (NM_001129833.2, NM_001129834.2, NM_001129835.2); c.5464C>G, p.Gln1822Glu (NM_001129836.2); c.5437C>G, p.Gln1813Glu (NM_001129837.2, NM_001129838.2); and 3 more; short protein forms Q1802E, Q1813E, Q1833E, Q1805E, Q1811E, Q1824E, Q1825E, Q1853E.
Identifiers: ClinVar variation 1375166 (VCV001375166.6), dbSNP rs2153804286, ClinGen allele CA383379248.

ClinVar aggregate classification (germline): Uncertain significance (1 of 4 stars; one submission).

Conditions:
Long QT syndrome (LQTS). Identifiers: MedGen C0023976, MeSH D008133, MONDO:0002442. Disease mechanism: loss of function. Inheritance: Various modes of inheritance.

Submission:

Labcorp Genetics (formerly Invitae), Labcorp
Classification: Uncertain significance for Long QT syndrome. Last evaluated: 2021-08-15. Review status: criteria provided, single submitter. Criteria: Invitae Variant Classification Sherloc (09022015). Collection method: clinical testing. Allele origin: germline.
Comment: This variant has not been reported in the literature in individuals affected with CACNA1C-related conditions. This variant is not present in population databases (ExAC no frequency). This sequence change replaces glutamine with glutamic acid at codon 1805 of the CACNA1C protein (p.Gln1805Glu). The glutamine residue is weakly conserved and there is a small physicochemical difference between glutamine and glutamic acid. Algorithms developed to predict the effect of missense changes on protein structure and function (SIFT, PolyPhen-2, Align-GVGD) all suggest that this variant is likely to be tolerated. In summary, the available evidence is currently insufficient to determine the role of this variant in disease. Therefore, it has been classified as a Variant of Uncertain Significance.